The following is an entry in ClinVar:

NM_020822.3(KCNT1):c.884C>T (p.Ala295Val)

Gene: KCNT1 (potassium sodium-activated channel subfamily T member 1; plus strand). Cytogenetic location: 9q34.3.
Variant type: single nucleotide variant.
Coding change: c.884C>T on transcript NM_020822.3 (MANE Select); coding-DNA position 884, C replaced by T.
Protein change: p.Ala295Val; replaces alanine 295 with valine.
Molecular consequence: missense variant.
Genome position (GRCh38, 1-based): chr9:135,759,708, C>T. VCF-style: chr9-135759708-C-T. GRCh37 (hg19) VCF-style: chr9-138651554-C-T.
Other names: c.749C>T, p.Ala250Val (NM_001272003.2); short protein forms A250V, A295V.
Identifiers: ClinVar variation 1687729 (VCV001687729.2), dbSNP rs1272987725, ClinGen allele CA375498416.

ClinVar aggregate classification (germline): Likely pathogenic (1 of 4 stars; one submission).

Conditions:
Seizure. Also called: Seizures. Identifiers: MedGen C0036572, HP:0001250.

Allele frequency attached by ClinVar (database versions not stated): gnomAD exomes below 0.00001 and 0.00001.
gnomAD v4.1: 4 of 1,611,454 alleles (0.00025%); highest among the groups gnomAD compares: Non-Finnish European, 0.00025%; no homozygotes.

Submission:

Cytogénomique, Hospices Civils de Lyon
Classification: Likely pathogenic for Seizure. Last evaluated: 2022-06-01. Review status: criteria provided, single submitter. Criteria: ACMG Guidelines, 2015. Collection method: clinical testing. Allele origin: de novo. Inheritance: Sporadic. Affected: yes. Observed: 1 variant allele, 1 heterozygote.
Comment: absent from gnomAD, predicted deleterious. With ion ion channel.